The following is an entry in ClinVar:

NM_000092.5(COL4A4):c.2374G>A (p.Gly792Arg)

Gene: COL4A4 (collagen type IV alpha 4 chain; minus strand). Cytogenetic location: 2q36.3.
Variant type: single nucleotide variant.
Coding change: c.2374G>A on transcript NM_000092.5 (MANE Select); coding-DNA position 2374, G replaced by A.
Protein change: p.Gly792Arg; replaces glycine 792 with arginine.
Molecular consequence: missense variant.
Genome position (GRCh38, 1-based): chr2:227,059,414, C>T on the plus strand (G>A on the coding strand, the complement: COL4A4 is on the minus strand). VCF-style: chr2-227059414-C-T. GRCh37 (hg19) VCF-style: chr2-227924130-C-T.
Other names: short protein forms G792R.
Identifiers: ClinVar variation 556413 (VCV000556413.7), dbSNP rs768003309, ClinGen allele CA2144827.

ClinVar aggregate classification (germline): Pathogenic/Likely pathogenic. Review status: criteria provided, multiple submitters, no conflicts (2 of 4 stars). 3 submissions from 3 submitters: Pathogenic (1); Likely pathogenic (1). 1 of the submissions does not count toward it. Last evaluated 2025-04-15.

Conditions:
Autosomal recessive Alport syndrome (ATS2). Also called: Alport syndrome type 2; ALPORT SYNDROME 2, AUTOSOMAL RECESSIVE; COL4A3-Related Nephropathy; COL4A4 Alport Syndrome and Thin Basement Membrane Nephropathy. Identifiers: Orphanet 63, Orphanet 88919, MedGen C4746745, MONDO:0008762, OMIM 203780.
Alport syndrome. Also called: Hemorrhagic familial nephritis; Hemorrhagic hereditary nephritis; Congenital hereditary hematuria. Identifiers: Orphanet 63, MedGen C1567741, MONDO:0018965.

Allele frequency attached by ClinVar (database versions not stated): gnomAD exomes below 0.00001; ExAC 0.00001.
gnomAD v4.1: 1 of 1,614,116 alleles (0.000062%); highest among the groups gnomAD compares: Non-Finnish European, 0.000085%; no homozygotes.

Submissions (3):

Victorian Clinical Genetics Services, Murdoch Childrens Research Institute
Classification: Pathogenic for Alport syndrome. Last evaluated: 2025-04-15. Review status: criteria provided, single submitter. Criteria: ACMG Guidelines, 2015. Collection method: clinical testing. Allele origin: germline. Affected: yes.
Comment: This variant is classified as Pathogenic. Evidence in support of pathogenic classification: Variant is present in gnomAD <0.01(v4: 1 heterozygote(s), 0 homozygote(s); This variant has moderate previous evidence of pathogenicity in unrelated individuals. This variant has been classified as likely pathogenic by clinical laboratories in ClinVar. This variant has limited evidence for segregation with disease. This variant was found to segregate with disease in one family (PMID: 16338941); Another missense variant comparable to the one identified in this case has limited previous evidence for pathogenicity. p.(Gly792Glu) has been classified as likely pathogenic by a clinical laboratory in ClinVar. - Variant is located in the well-established functional Gly-X-Y motif (DECIPHER); Missense variant predicted to be damaging by in silico tool(s) or highly conserved with a major amino acid change. Additional information: Variant is predicted to result in a missense amino acid change from glycine to arginine; This variant is homozygous; This gene is associated with both recessive and dominant disease. Alport syndrome typically has biallelic inheritance, although rare cases of monoallelic inheritance have been reported (PMID: 28704582). Thin basement membrane nephropathy (TBMN) and focal segmental glomerulosclerosis (FSGS) are associated with autosomal dominant inheritance (OMIM, PMIDs: 16467446, 17942953); Alternative amino acid change(s) at the same position are present in gnomAD (Highest alelle count: v4: 1 heterozygote(s), 0 homozygote(s)); No published functional evidence has been identified for this variant; Loss of function is a known mechanism of disease for this gene and is associated with Alport syndrome. Dominant negative is a suspected mechanism of disease for this gene as it is a structural protein (PMIDs: 12028435, 24046192); Inheritance information for this variant is not currently available in this individual.

Labcorp Genetics (formerly Invitae), Labcorp
Classification: Likely pathogenic. Last evaluated: 2023-04-12. Review status: criteria provided, single submitter. Criteria: Invitae Variant Classification Sherloc (09022015). Collection method: clinical testing. Allele origin: germline.
Comment: This sequence change replaces glycine, which is neutral and non-polar, with arginine, which is basic and polar, at codon 792 of the COL4A4 protein (p.Gly792Arg). This variant is present in population databases (rs768003309, gnomAD 0.0009%). In summary, the currently available evidence indicates that the variant is pathogenic, but additional data are needed to prove that conclusively. Therefore, this variant has been classified as Likely Pathogenic. Advanced modeling of protein sequence and biophysical properties (such as structural, functional, and spatial information, amino acid conservation, physicochemical variation, residue mobility, and thermodynamic stability) performed at Invitae indicates that this missense variant is expected to disrupt COL4A4 protein function. ClinVar contains an entry for this variant (Variation ID: 556413). This missense change has been observed in individual(s) with Alport syndrome (PMID: 16338941). It has also been observed to segregate with disease in related individuals.

Counsyl
Classification: Likely pathogenic for Autosomal recessive Alport syndrome. Last evaluated: 2018-01-31. Review status: no assertion criteria provided. Collection method: clinical testing. Allele origin: unknown. Not counted in ClinVar's aggregate classification.

Literature cited by the submitters: PubMed 16338941 (cited by 3 submitters); PubMed 24046192 (cited by Victorian Clinical Genetics Services, Murdoch Childrens Research Institute); PubMed 16467446 (cited by Victorian Clinical Genetics Services, Murdoch Childrens Research Institute); PubMed 12028435 (cited by Victorian Clinical Genetics Services, Murdoch Childrens Research Institute); PubMed 28704582 (cited by Victorian Clinical Genetics Services, Murdoch Childrens Research Institute); PubMed 17942953 (cited by Victorian Clinical Genetics Services, Murdoch Childrens Research Institute).